The following is an entry in ClinVar:

ClinVar aggregate classification (germline): Uncertain significance (1 of 4 stars; one submission).

Submission:

GeneDx
Classification: Uncertain significance. Last evaluated: 2023-06-27. Review status: criteria provided, single submitter. Criteria: GeneDx Variant Classification Process June 2021. Collection method: clinical testing. Allele origin: germline. Affected: yes.
Comment: Not observed at significant frequency in large population cohorts (gnomAD); In silico analysis supports that this missense variant does not alter protein structure/function; Has not been previously published as pathogenic or benign to our knowledge

NM_006565.4(CTCF):c.1961G>A (p.Arg654Gln)

Gene: CTCF (CCCTC-binding factor; plus strand). Cytogenetic location: 16q22.1.
Variant type: single nucleotide variant.
Coding change: c.1961G>A on transcript NM_006565.4 (MANE Select); coding-DNA position 1961, G replaced by A.
Protein change: p.Arg654Gln; replaces arginine 654 with glutamine.
Molecular consequence: missense variant.
Genome position (GRCh38, 1-based): chr16:67,636,813, G>A. VCF-style: chr16-67636813-G-A. GRCh37 (hg19) VCF-style: chr16-67670716-G-A.
Other names: c.977G>A, p.Arg326Gln (NM_001191022.2); c.1961G>A, p.Arg654Gln (NM_001363916.2); short protein forms R326Q, R654Q.
Identifiers: ClinVar variation 3360444 (VCV003360444.1).
Genomic context (GRCh38, chr16:67,636,813, plus strand): 5'-CTGAGCCAGAGCCTCAGCCTGTGACCCCAGCCCCACCACCCGCCAAGAAGCGGAGAGGAC[G>A]ACCCCCTGGCAGAACCAACCAGCCCAAACAGAACCAGCGTAAGTTGTTCATCTCTGCTCT-3'
Protein context (NP_006556.1, residues 644-664): APPPAKKRRG[Arg654Gln]PPGRTNQPKQ